The following is an entry in ClinVar:

ClinVar aggregate classification (germline): Likely benign. Review status: criteria provided, multiple submitters, no conflicts (2 of 4 stars). 2 submissions from 2 submitters: Likely benign (2). Last evaluated 2025-10-28.

Conditions:
Ataxia-telangiectasia syndrome (AT). Also called: Cerebello-oculocutaneous telangiectasia; Immunodeficiency with ataxia telangiectasia; Ataxia-telangiectasia, complementation group E; Ataxia-telangiectasia, complementation group D; AT, COMPLEMENTATION GROUP C; ATAXIA-TELANGIECTASIA, COMPLEMENTATION GROUP A. Identifiers: Orphanet 100, MedGen C0004135, MONDO:0008840, OMIM 208900.

Allele frequency attached by ClinVar (database versions not stated): gnomAD exomes below 0.00001.
gnomAD v4.1: 4 of 1,603,856 alleles (0.00025%); highest among the groups gnomAD compares: Non-Finnish European, 0.00034%; no homozygotes.

Submissions (2):

Labcorp Genetics (formerly Invitae), Labcorp
Classification: Likely benign for Ataxia-telangiectasia syndrome. Last evaluated: 2025-10-28. Review status: criteria provided, single submitter. Criteria: Invitae Variant Classification Sherloc (09022015). Collection method: clinical testing. Allele origin: germline.

GeneDx
Classification: Likely benign. Last evaluated: 2017-08-02. Review status: criteria provided, single submitter. Criteria: GeneDx Variant Classification (06012015). Collection method: clinical testing. Allele origin: germline. Affected: yes.
Comment: This variant is considered likely benign or benign based on one or more of the following criteria: it is a conservative change, it occurs at a poorly conserved position in the protein, it is predicted to be benign by multiple in silico algorithms, and/or has population frequency not consistent with disease.

NM_000051.4(ATM):c.8850+14T>C

Genes: ATM (ATM serine/threonine kinase; plus strand), C11orf65 (chromosome 11 open reading frame 65; minus strand). Cytogenetic location: 11q22.3.
Variant type: single nucleotide variant.
Coding change: c.8850+14T>C on transcript NM_000051.4 (MANE Select); 14 bases into the intron after coding-DNA position 8850, T replaced by C.
Molecular consequence: intron variant.
Genome position (GRCh38, 1-based): chr11:108,354,888, T>C. VCF-style: chr11-108354888-T-C. GRCh37 (hg19) VCF-style: chr11-108225615-T-C.
Other names: c.8850+14T>C (NM_001351834.2); c.640+31032A>G (NM_001330368.2); c.695-19596A>G (NM_001351110.2).
Identifiers: ClinVar variation 516627 (VCV000516627.9), dbSNP rs1294857465, ClinGen allele CA601699235.
Genomic context (GRCh38, chr11:108,354,888, plus strand): 5'-TGGAAGTGATGAGAAACTCTCAGGAAACTCTGTTAACCATTGTAGAGGTAAAGTATTTTA[T>C]AAGGAAGACTTTATTTTTTTTCTTACCAGGTAGACTGTGTATCTCATCAGGAAGTCACTG-3'